The following is an entry in ClinVar:

NM_003482.4(KMT2D):c.4751A>G (p.Tyr1584Cys)

Gene: KMT2D (lysine methyltransferase 2D; minus strand). Cytogenetic location: 12q13.12.
Variant type: single nucleotide variant.
Coding change: c.4751A>G on transcript NM_003482.4 (MANE Select); coding-DNA position 4751, A replaced by G.
Protein change: p.Tyr1584Cys; replaces tyrosine 1584 with cysteine.
Molecular consequence: missense variant.
Genome position (GRCh38, 1-based): chr12:49,044,956, T>C on the plus strand (A>G on the coding strand, the complement: KMT2D is on the minus strand). VCF-style: chr12-49044956-T-C. GRCh37 (hg19) VCF-style: chr12-49438739-T-C.
Other names: short protein forms Y1584C.
Identifiers: ClinVar variation 2972696 (VCV002972696.3), dbSNP rs2120590102, ClinGen allele CA384641530.

ClinVar aggregate classification (germline): Uncertain significance (1 of 4 stars; one submission).

Conditions:
Kabuki syndrome. Also called: NIIKAWA-KUROKI SYNDROME; Kabuki make-up syndrome. Identifiers: Orphanet 2322, MedGen C0796004, MONDO:0016512.

Submission:

Labcorp Genetics (formerly Invitae), Labcorp
Classification: Uncertain significance for Kabuki syndrome. Last evaluated: 2023-03-07. Review status: criteria provided, single submitter. Criteria: Invitae Variant Classification Sherloc (09022015). Collection method: clinical testing. Allele origin: germline.
Comment: In summary, the available evidence is currently insufficient to determine the role of this variant in disease. Therefore, it has been classified as a Variant of Uncertain Significance. Advanced modeling of protein sequence and biophysical properties (such as structural, functional, and spatial information, amino acid conservation, physicochemical variation, residue mobility, and thermodynamic stability) performed at Invitae indicates that this missense variant is not expected to disrupt KMT2D protein function. This missense change has been observed in individual(s) with clinical features of KMT2D-related conditions (PMID: 31624253). This variant is not present in population databases (gnomAD no frequency). This sequence change replaces tyrosine, which is neutral and polar, with cysteine, which is neutral and slightly polar, at codon 1584 of the KMT2D protein (p.Tyr1584Cys).

Literature cited by the submitters: PubMed 31624253.